The following is an entry in ClinVar:

NM_000161.3(GCH1):c.140C>A (p.Ala47Glu)

Gene: GCH1 (GTP cyclohydrolase 1; minus strand). Cytogenetic location: 14q22.2.
Variant type: single nucleotide variant.
Coding change: c.140C>A on transcript NM_000161.3 (MANE Select); coding-DNA position 140, C replaced by A.
Protein change: p.Ala47Glu; replaces alanine 47 with glutamic acid.
Molecular consequence: missense variant.
Genome position (GRCh38, 1-based): chr14:54,902,524, G>T on the plus strand (C>A on the coding strand, the complement: GCH1 is on the minus strand). VCF-style: chr14-54902524-G-T. GRCh37 (hg19) VCF-style: chr14-55369242-G-T.
Other names: c.140C>A, p.Ala47Glu (NM_001024024.2, NM_001024070.2, NM_001024071.2); short protein forms A47E.
Identifiers: ClinVar variation 1467480 (VCV001467480.8), dbSNP rs2040584415, ClinGen allele CA389794188.

ClinVar aggregate classification (germline): Uncertain significance (1 of 4 stars; one submission).

Conditions:
GTP cyclohydrolase I deficiency. Identifiers: MedGen C0268467, MONDO:0100184.
Dystonia 5 (DRD). Also called: GTP Cyclohydrolase 1-Deficient Dopa-Responsive Dystonia; DYT-GCH1; Dystonia, DOPA-responsive, with or without hyperphenylalaninemia; DYSTONIA, PROGRESSIVE, WITH DIURNAL VARIATION; DYSTONIA-PARKINSONISM WITH DIURNAL FLUCTUATION. Identifiers: Orphanet 98808, MedGen C1851920, MONDO:0007495, OMIM 128230.

Submission:

Labcorp Genetics (formerly Invitae), Labcorp
Classification: Uncertain significance for GTP cyclohydrolase I deficiency; Dystonia 5. Last evaluated: 2021-03-22. Review status: criteria provided, single submitter. Criteria: Invitae Variant Classification Sherloc (09022015). Collection method: clinical testing. Allele origin: germline.
Comment: This variant has not been reported in the literature in individuals with GCH1-related conditions. This variant is not present in population databases (ExAC no frequency). This sequence change replaces alanine with glutamic acid at codon 47 of the GCH1 protein (p.Ala47Glu). The alanine residue is weakly conserved and there is a moderate physicochemical difference between alanine and glutamic acid. Advanced modeling of protein sequence and biophysical properties (such as structural, functional, and spatial information, amino acid conservation, physicochemical variation, residue mobility, and thermodynamic stability) performed at Invitae indicates that this missense variant is not expected to disrupt GCH1 protein function. In summary, the available evidence is currently insufficient to determine the role of this variant in disease. Therefore, it has been classified as a Variant of Uncertain Significance.